The following is an entry in ClinVar:

ClinVar aggregate classification (germline): Uncertain significance. Review status: criteria provided, multiple submitters, no conflicts (2 of 4 stars). 2 submissions from 2 submitters: Uncertain significance (2). Last evaluated 2023-09-01.

Allele frequency attached by ClinVar (database versions not stated): gnomAD exomes below 0.00001.

Submissions (2):

CeGaT Center for Human Genetics Tuebingen
Classification: Uncertain significance. Last evaluated: 2023-09-01. Review status: criteria provided, single submitter. Criteria: CeGaT Center For Human Genetics Tuebingen Variant Classification Criteria Version 2. Collection method: clinical testing. Allele origin: germline. Affected: yes. Observed: 1 variant allele.
Comment: SCN1A: PM2

GeneDx
Classification: Uncertain significance. Last evaluated: 2022-02-11. Review status: criteria provided, single submitter. Criteria: GeneDx Variant Classification Process June 2021. Collection method: clinical testing. Allele origin: germline. Affected: yes.
Comment: Not observed at significant frequency in large population cohorts (gnomAD); Missense variants in this gene are often considered pathogenic (HGMD); In silico analysis supports that this missense variant has a deleterious effect on protein structure/function; This substitution is predicted to be within the C-terminal cytoplasmic domain.; Has not been previously published as pathogenic or benign to our knowledge

NM_001165963.4(SCN1A):c.5876T>C (p.Met1959Thr)

Genes: SCN1A (sodium voltage-gated channel alpha subunit 1; minus strand), LOC102724058 (uncharacterized LOC102724058; plus strand). Cytogenetic location: 2q24.3.
Variant type: single nucleotide variant.
Coding change: c.5876T>C on transcript NM_001165963.4 (MANE Select); coding-DNA position 5876, T replaced by C.
Protein change: p.Met1959Thr; replaces methionine 1959 with threonine.
Molecular consequence: missense variant. On other transcripts: non-coding transcript variant (1).
Genome position (GRCh38, 1-based): chr2:165,991,399, A>G on the plus strand (T>C on the coding strand, the complement: SCN1A is on the minus strand). VCF-style: chr2-165991399-A-G. GRCh37 (hg19) VCF-style: chr2-166847909-A-G.
Other names: c.5792T>C, p.Met1931Thr (NM_001165964.3, NM_001353957.2, NM_001353958.2); c.5876T>C, p.Met1959Thr (NM_001202435.3, NM_001353948.2); c.5843T>C, p.Met1948Thr (NM_001353949.2, NM_001353950.2, NM_001353951.2 and 2 more transcripts); c.5840T>C, p.Met1947Thr (NM_001353954.2, NM_001353955.2); c.5789T>C, p.Met1930Thr (NM_001353960.2); c.3434T>C, p.Met1145Thr (NM_001353961.2); short protein forms M1145T, M1930T, M1931T, M1947T, M1948T, M1959T.
Identifiers: ClinVar variation 1700954 (VCV001700954.26), dbSNP rs1368302993, ClinGen allele CA349063381.
Genomic context (GRCh38, chr2:165,991,399, plus strand): 5'-GTGGACATGGTCAGATCAGTTTTTTCTGTAATAGAGTTTTCATTTATTCTGTCAATTATC[A>G]TGTCTTCTTTTATAAGAAGATTAGCCCCACCTTTGATTTTGTTTTTATTGTACGTAAAGG-3'
Protein context (NP_001159435.1, residues 1949-1969): GGANLLIKED[Met1959Thr]IIDRINENSI